The following is an entry in ClinVar:

NM_004006.3(DMD):c.5825C>T (p.Ala1942Val)

Gene: DMD (dystrophin; minus strand). Cytogenetic location: Xp21.1.
Variant type: single nucleotide variant.
Coding change: c.5825C>T on transcript NM_004006.3 (MANE Select); coding-DNA position 5825, C replaced by T.
Protein change: p.Ala1942Val; replaces alanine 1942 with valine.
Molecular consequence: missense variant.
Genome position (GRCh38, 1-based): chrX:32,342,197, G>A on the plus strand (C>T on the coding strand, the complement: DMD is on the minus strand). VCF-style: chrX-32342197-G-A. GRCh37 (hg19) VCF-style: chrX-32360314-G-A.
Other names: c.5801C>T, p.Ala1934Val (NM_000109.4); c.5813C>T, p.Ala1938Val (NM_004009.3); c.5456C>T, p.Ala1819Val (NM_004010.3); c.1802C>T, p.Ala601Val (NM_004011.4); c.1793C>T, p.Ala598Val (NM_004012.4); short protein forms A1934V, A601V, A1942V, A1819V, A598V, A1938V.
Identifiers: ClinVar variation 4699539 (VCV004699539.1).
Genomic context (GRCh38, chrX:32,342,197, plus strand): 5'-TTGCTCTCAATTTCCCGCCAGCGCTTGCTGAGCTGGATCTGAGTTGGCTCCACTGCCATT[G>A]CGGCCCCATCCTCAGACAAGCCCTCAGCTTGCCTACGCACTGCATTCAGCTCCTCTTTCT-3'
Protein context (NP_003997.2, residues 1932-1952): QAEGLSEDGA[Ala1942Val]MAVEPTQIQL

ClinVar aggregate classification (germline): Uncertain significance (1 of 4 stars; one submission).

Conditions:
Duchenne muscular dystrophy (DMD). Also called: MUSCULAR DYSTROPHY, PSEUDOHYPERTROPHIC PROGRESSIVE, DUCHENNE TYPE; Duchenne Muscular Dystrophy (DMD). Identifiers: Orphanet 98896, MedGen C0013264, MONDO:0010679, OMIM 310200.

gnomAD v4.1: 2 of 1,211,046 alleles (0.00017%); highest among the groups gnomAD compares: Admixed American, 0.0044%; no homozygotes.

Submission:

Labcorp Genetics (formerly Invitae), Labcorp
Classification: Uncertain significance for Duchenne muscular dystrophy. Last evaluated: 2025-03-25. Review status: criteria provided, single submitter. Criteria: Invitae Variant Classification Sherloc (09022015). Collection method: clinical testing. Allele origin: germline.
Comment: This sequence change replaces alanine, which is neutral and non-polar, with valine, which is neutral and non-polar, at codon 1942 of the DMD protein (p.Ala1942Val). This variant is present in population databases (rs773764541, gnomAD 0.004%). This variant has not been reported in the literature in individuals affected with DMD-related conditions. Invitae Evidence Modeling of protein sequence and biophysical properties (such as structural, functional, and spatial information, amino acid conservation, physicochemical variation, residue mobility, and thermodynamic stability) indicates that this missense variant is not expected to disrupt DMD protein function with a negative predictive value of 95%. In summary, the available evidence is currently insufficient to determine the role of this variant in disease. Therefore, it has been classified as a Variant of Uncertain Significance.